The following is an entry in ClinVar:

NM_001844.5(COL2A1):c.1888-47T>C

Gene: COL2A1 (collagen type II alpha 1 chain; minus strand). Cytogenetic location: 12q13.11.
Variant type: single nucleotide variant.
Coding change: c.1888-47T>C on transcript NM_001844.5 (MANE Select); 47 bases into the intron before coding-DNA position 1888, T replaced by C.
Molecular consequence: intron variant.
Genome position (GRCh38, 1-based): chr12:47,984,187, A>G on the plus strand (T>C on the coding strand, the complement: COL2A1 is on the minus strand). VCF-style: chr12-47984187-A-G. GRCh37 (hg19) VCF-style: chr12-48377970-A-G.
Other names: c.1681-47T>C (NM_033150.3).
Identifiers: ClinVar variation 258219 (VCV000258219.3), dbSNP rs1635550, ClinGen allele CA6535340.

ClinVar aggregate classification (germline): Benign. Review status: criteria provided, multiple submitters, no conflicts (2 of 4 stars). 3 submissions from 3 submitters: Benign (3). Last evaluated 2018-06-14.

Allele frequency attached by ClinVar (database versions not stated): 1000 Genomes Project 0.68311; TOPMed 0.73209; gnomAD exomes 0.74022 and 0.80608; gnomAD 0.74634; 1000 Genomes Project 30x 0.68145; ExAC 0.75222; ESP Exome Variant Server 0.76596.
gnomAD v4.1: 1,258,829 of 1,574,222 alleles (80%); highest among the groups gnomAD compares: Non-Finnish European, 84%; 507,934 homozygotes.

Submissions (3):

GeneDx
Classification: Benign. Last evaluated: 2018-06-14. Review status: criteria provided, single submitter. Criteria: GeneDx Variant Classification (06012015). Collection method: clinical testing. Allele origin: germline. Affected: yes.
Comment: This variant is considered likely benign or benign based on one or more of the following criteria: it is a conservative change, it occurs at a poorly conserved position in the protein, it is predicted to be benign by multiple in silico algorithms, and/or has population frequency not consistent with disease.

Breakthrough Genomics
Classification: Benign. Review status: criteria provided, single submitter. Criteria: ACMG Guidelines, 2015. Collection method: not provided. Allele origin: germline. Inheritance: Autosomal dominant inheritance. Affected: yes.

PreventionGenetics, part of Exact Sciences
Classification: Benign. Review status: criteria provided, single submitter. Criteria: ACMG Guidelines, 2015. Collection method: clinical testing. Allele origin: germline.